The following is an entry in ClinVar:

NM_001206744.2(TPO):c.1039G>T (p.Glu347Ter)

Gene: TPO (thyroid peroxidase; plus strand). Cytogenetic location: 2p25.3.
Variant type: single nucleotide variant.
Coding change: c.1039G>T on transcript NM_001206744.2 (MANE Select); coding-DNA position 1039, G replaced by T.
Protein change: p.Glu347Ter; replaces glutamic acid 347 with a stop codon.
Molecular consequence: nonsense. On other transcripts: intron variant (1).
Genome position (GRCh38, 1-based): chr2:1,477,305, G>T. VCF-style: chr2-1477305-G-T. GRCh37 (hg19) VCF-style: chr2-1481077-G-T.
Other names: c.1039G>T, p.Glu347Ter (NM_000547.6, NM_001206745.2, NM_175719.4 and 1 more transcripts); c.820-7291G>T (NM_175722.3); c.1039G>T (NM_000547.5); short protein forms E347*.
Identifiers: ClinVar variation 3002279 (VCV003002279.5), dbSNP rs867643439, ClinGen allele CA41406702.

ClinVar aggregate classification (germline): Pathogenic/Likely pathogenic. Review status: criteria provided, multiple submitters, no conflicts (2 of 4 stars). 3 submissions from 3 submitters: Pathogenic (1); Likely pathogenic (2). Last evaluated 2024-05-02.

Conditions:
Deficiency of iodide peroxidase (TDH2A). Also called: THYROID HORMONOGENESIS, GENETIC DEFECT IN, 2A; THYROID PEROXIDASE DEFICIENCY; HYPOTHYROIDISM, CONGENITAL, DUE TO DYSHORMONOGENESIS, 2A; IODIDE PEROXIDASE DEFICIENCY; Thyroid dyshormonogenesis 2A. Identifiers: Orphanet 95716, MedGen C1291299, MONDO:0010133, OMIM 274500.

gnomAD v4.1: 9 of 1,583,496 alleles (0.00057%); no homozygotes.

Submissions (3):

Fulgent Genetics
Classification: Likely pathogenic for Deficiency of iodide peroxidase. Last evaluated: 2024-05-02. Review status: criteria provided, single submitter. Criteria: ACMG Guidelines, 2015. Collection method: clinical testing. Allele origin: germline.

Revvity Omics, Revvity
Classification: Likely pathogenic. Last evaluated: 2023-09-01. Review status: criteria provided, single submitter. Criteria: ACMG Guidelines, 2015. Collection method: clinical testing. Allele origin: germline.

Labcorp Genetics (formerly Invitae), Labcorp
Classification: Pathogenic. Last evaluated: 2023-07-17. Review status: criteria provided, single submitter. Criteria: Invitae Variant Classification Sherloc (09022015). Collection method: clinical testing. Allele origin: germline.
Comment: This variant has not been reported in the literature in individuals affected with TPO-related conditions. The frequency data for this variant in the population databases is considered unreliable, as metrics indicate poor data quality at this position in the gnomAD database. For these reasons, this variant has been classified as Pathogenic. This sequence change creates a premature translational stop signal (p.Glu347*) in the TPO gene. It is expected to result in an absent or disrupted protein product. Loss-of-function variants in TPO are known to be pathogenic (PMID: 11061528, 23236987, 25564141).

Literature cited by the submitters: PubMed 11061528 (cited by Labcorp Genetics (formerly Invitae), Labcorp); PubMed 23236987 (cited by Labcorp Genetics (formerly Invitae), Labcorp); PubMed 25564141 (cited by Labcorp Genetics (formerly Invitae), Labcorp).